The following is an entry in ClinVar:

ClinVar aggregate classification (germline): Likely benign. Review status: criteria provided, multiple submitters, no conflicts (2 of 4 stars). 5 submissions from 5 submitters: Likely benign (4). 1 of the submissions does not count toward it. Last evaluated 2026-01-27.

Conditions:
FLNA-related disorder.
Heterotopia, periventricular, X-linked dominant (PVNH1). Also called: PERIVENTRICULAR NODULAR HETEROTOPIA 4; HETEROTOPIA, PERIVENTRICULAR, 1; PERIVENTRICULAR NODULAR HETEROTOPIA 1; X-linked periventricular heterotopia. Identifiers: Orphanet 2149, Orphanet 82004, MedGen C1848213, MONDO:0010233, OMIM 300049.
Frontometaphyseal dysplasia (FMD1). Identifiers: Orphanet 1826, MedGen C0265293, MONDO:0015942.
Oto-palato-digital syndrome, type II (OPD2). Also called: Otopalatodigital Syndrome, Type II; Otopalatodigital Syndrome Type 2 (FLNA-OPD2); OPD II SYNDROME; FACIOPALATOOSSEOUS SYNDROME. Identifiers: Orphanet 669, Orphanet 90652, MedGen C1844696, MONDO:0010571, OMIM 304120.
Melnick-Needles syndrome (MNS). Also called: Melnick-Needles Syndrome (FLNA-MNS); MELNICK-NEEDLES OSTEODYSPLASTY; OSTEODYSPLASTY OF MELNICK AND NEEDLES. Identifiers: Orphanet 2484, MedGen C0025237, MONDO:0010650, OMIM 309350.
Familial thoracic aortic aneurysm and aortic dissection (TAAD). Also called: Thoracic aortic aneurysms and dissections. Identifiers: Orphanet 91387, MedGen C4707243, MONDO:0019625.

Allele frequency attached by ClinVar (database versions not stated): TOPMed 0.00001; gnomAD exomes 0.00002 and 0.00003; gnomAD 0.00003; ExAC 0.00005; ESP Exome Variant Server 0.00010.
gnomAD v4.1: 25 of 1,209,648 alleles (0.0021%); highest among the groups gnomAD compares: South Asian, 0.011%; no homozygotes.

Submissions (5):

Labcorp Genetics (formerly Invitae), Labcorp
Classification: Likely benign for Oto-palato-digital syndrome, type II; Heterotopia, periventricular, X-linked dominant; Frontometaphyseal dysplasia; Melnick-Needles syndrome. Last evaluated: 2026-01-27. Review status: criteria provided, single submitter. Criteria: Invitae Variant Classification Sherloc (09022015). Collection method: clinical testing. Allele origin: germline.

Blueprint Genetics
Classification: Likely benign. Last evaluated: 2024-07-11. Review status: criteria provided, single submitter. Criteria: ACMG Guidelines, 2015. Collection method: clinical testing. Allele origin: germline.

Ambry Genetics
Classification: Likely benign for Familial thoracic aortic aneurysm and aortic dissection. Last evaluated: 2021-03-18. Review status: criteria provided, single submitter. Criteria: Ambry Variant Classification Scheme 2023. Collection method: clinical testing. Allele origin: germline.

GeneDx
Classification: Likely benign. Last evaluated: 2018-11-27. Review status: criteria provided, single submitter. Criteria: GeneDx Variant Classification Process June 2021. Collection method: clinical testing. Allele origin: germline. Affected: yes.

PreventionGenetics, part of Exact Sciences
Classification: Likely benign for FLNA-related condition. Last evaluated: 2019-07-15. Review status: no assertion criteria provided. Collection method: clinical testing. Allele origin: germline. Not counted in ClinVar's aggregate classification.
Comment: This variant is classified as likely benign based on ACMG/AMP sequence variant interpretation guidelines (Richards et al. 2015 PMID: 25741868, with internal and published modifications).

NM_001110556.2(FLNA):c.957C>T (p.Tyr319=)

Gene: FLNA (filamin A; minus strand). Cytogenetic location: Xq28.
Variant type: single nucleotide variant.
Coding change: c.957C>T on transcript NM_001110556.2 (MANE Select); coding-DNA position 957, C replaced by T.
Protein change: p.Tyr319=; no amino-acid change (tyrosine 319 retained).
Molecular consequence: synonymous variant.
Genome position (GRCh38, 1-based): chrX:154,366,762, G>A on the plus strand (C>T on the coding strand, the complement: FLNA is on the minus strand). VCF-style: chrX-154366762-G-A. GRCh37 (hg19) VCF-style: chrX-153595130-G-A.
Other names: c.957C>T (NM_001110556.1); c.957C>T, p.Tyr319= (NM_001456.4).
Identifiers: ClinVar variation 388254 (VCV000388254.20), dbSNP rs373561030, ClinGen allele CA10561324.